The following is an entry in ClinVar:

NM_014140.4(SMARCAL1):c.521A>G (p.Gln174Arg)

Gene: SMARCAL1 (SNF2 related chromatin remodeling annealing helicase 1; plus strand). Cytogenetic location: 2q35.
Variant type: single nucleotide variant.
Coding change: c.521A>G on transcript NM_014140.4 (MANE Select); coding-DNA position 521, A replaced by G.
Protein change: p.Gln174Arg; replaces glutamine 174 with arginine.
Molecular consequence: missense variant.
Genome position (GRCh38, 1-based): chr2:216,415,225, A>G. VCF-style: chr2-216415225-A-G. GRCh37 (hg19) VCF-style: chr2-217279948-A-G.
Other names: c.521A>G, p.Gln174Arg (NM_001127207.2); short protein forms Q174R.
Identifiers: ClinVar variation 1939332 (VCV001939332.2), dbSNP rs1357917924, ClinGen allele CA350497485.

ClinVar aggregate classification (germline): Uncertain significance (1 of 4 stars; one submission).

Conditions:
Schimke immuno-osseous dysplasia (SIOD). Also called: Schimke Immunoosseous Dysplasia. Identifiers: Orphanet 1830, MedGen C0877024, MONDO:0009458, OMIM 242900.

Allele frequency attached by ClinVar (database versions not stated): gnomAD 0.00001; TOPMed 0.00001.

Submission:

Labcorp Genetics (formerly Invitae), Labcorp
Classification: Uncertain significance for Schimke immuno-osseous dysplasia. Last evaluated: 2022-02-05. Review status: criteria provided, single submitter. Criteria: Invitae Variant Classification Sherloc (09022015). Collection method: clinical testing. Allele origin: germline.
Comment: This sequence change replaces glutamine, which is neutral and polar, with arginine, which is basic and polar, at codon 174 of the SMARCAL1 protein (p.Gln174Arg). This variant is not present in population databases (gnomAD no frequency). This variant has not been reported in the literature in individuals affected with SMARCAL1-related conditions. Algorithms developed to predict the effect of missense changes on protein structure and function output the following: SIFT: "Tolerated"; PolyPhen-2: "Benign"; Align-GVGD: "Class C0". The arginine amino acid residue is found in multiple mammalian species, which suggests that this missense change does not adversely affect protein function. In summary, the available evidence is currently insufficient to determine the role of this variant in disease. Therefore, it has been classified as a Variant of Uncertain Significance.